The following is an entry in ClinVar:

ClinVar aggregate classification (germline): Conflicting classifications of pathogenicity. Review status: criteria provided, conflicting classifications (1 of 4 stars). 3 submissions from 3 submitters: Uncertain significance (2); Benign (1). Last evaluated 2024-10-24.

Conditions:
Adams-Oliver syndrome 5 (AOS5). Identifiers: Orphanet 974, MedGen C4014970, MONDO:0014459, OMIM 616028.
Familial thoracic aortic aneurysm and aortic dissection (TAAD). Also called: Thoracic aortic aneurysms and dissections. Identifiers: Orphanet 91387, MedGen C4707243, MONDO:0019625.

gnomAD v4.1: 21 of 1,550,860 alleles (0.0014%); highest among the groups gnomAD compares: African/African-American, 0.0041%; no homozygotes.

Submissions (3):

Ambry Genetics
Classification: Uncertain significance for Familial thoracic aortic aneurysm and aortic dissection. Last evaluated: 2024-10-24. Review status: criteria provided, single submitter. Criteria: Ambry Variant Classification Scheme 2023. Collection method: clinical testing. Allele origin: germline.
Comment: The p.R190H variant (also known as c.569G>A), located in coding exon 4 of the NOTCH1 gene, results from a G to A substitution at nucleotide position 569. The arginine at codon 190 is replaced by histidine, an amino acid with highly similar properties. This amino acid position is conserved. In addition, this alteration is predicted to be tolerated by in silico analysis. Since supporting evidence is limited at this time, the clinical significance of this alteration remains unclear.

Labcorp Genetics (formerly Invitae), Labcorp
Classification: Benign for Adams-Oliver syndrome 5. Last evaluated: 2023-04-09. Review status: criteria provided, single submitter. Criteria: Invitae Variant Classification Sherloc (09022015). Collection method: clinical testing. Allele origin: germline.

GeneDx
Classification: Uncertain significance. Last evaluated: 2022-11-07. Review status: criteria provided, single submitter. Criteria: GeneDx Variant Classification Process June 2021. Collection method: clinical testing. Allele origin: germline. Affected: yes.
Comment: Has not been previously published as pathogenic or benign to our knowledge; In silico analysis supports that this missense variant does not alter protein structure/function; Not observed at significant frequency in large population cohorts (gnomAD)

NM_017617.5(NOTCH1):c.569G>A (p.Arg190His)

Gene: NOTCH1 (notch receptor 1; minus strand). Cytogenetic location: 9q34.3.
Variant type: single nucleotide variant.
Coding change: c.569G>A on transcript NM_017617.5 (MANE Select); coding-DNA position 569, G replaced by A.
Protein change: p.Arg190His; replaces arginine 190 with histidine.
Molecular consequence: missense variant.
Genome position (GRCh38, 1-based): chr9:136,523,023, C>T on the plus strand (G>A on the coding strand, the complement: NOTCH1 is on the minus strand). VCF-style: chr9-136523023-C-T. GRCh37 (hg19) VCF-style: chr9-139417475-C-T.
Other names: short protein forms R190H.
Identifiers: ClinVar variation 1305921 (VCV001305921.7), dbSNP rs761616770, ClinGen allele CA5342129.